The following is an entry in ClinVar:

ClinVar aggregate classification (germline): Uncertain significance (1 of 4 stars; one submission).

Conditions:
Cardiovascular phenotype. Identifiers: MedGen CN230736.

gnomAD v4.1: 1 of 1,614,076 alleles (0.000062%); highest among the groups gnomAD compares: Non-Finnish European, 0.000085%; no homozygotes.

Submission:

Ambry Genetics
Classification: Uncertain significance for Cardiovascular phenotype. Last evaluated: 2022-11-17. Review status: criteria provided, single submitter. Criteria: Ambry Variant Classification Scheme 2023. Collection method: clinical testing. Allele origin: germline.
Comment: The p.T767K variant (also known as c.2300C>A), located in coding exon 18 of the JAG1 gene, results from a C to A substitution at nucleotide position 2300. The threonine at codon 767 is replaced by lysine, an amino acid with similar properties. This amino acid position is conserved. In addition, this alteration is predicted to be deleterious by in silico analysis. Since supporting evidence is limited at this time, the clinical significance of this alteration remains unclear.

NM_000214.3(JAG1):c.2300C>A (p.Thr767Lys)

Gene: JAG1 (jagged canonical Notch ligand 1; minus strand). Cytogenetic location: 20p12.2.
Variant type: single nucleotide variant.
Coding change: c.2300C>A on transcript NM_000214.3 (MANE Select); coding-DNA position 2300, C replaced by A.
Protein change: p.Thr767Lys; replaces threonine 767 with lysine.
Molecular consequence: missense variant.
Genome position (GRCh38, 1-based): chr20:10,644,907, G>T on the plus strand (C>A on the coding strand, the complement: JAG1 is on the minus strand). VCF-style: chr20-10644907-G-T. GRCh37 (hg19) VCF-style: chr20-10625555-G-T.
Other names: short protein forms T767K.
Identifiers: ClinVar variation 2452642 (VCV002452642.2), dbSNP rs140330283, ClinGen allele CA408234929.
Genomic context (GRCh38, chr20:10,644,907, plus strand): 5'-GGGGGAGGACACTCACTCTGAGCACAGATGGGCCCCTCCCAGCCTTCCTTGCAGACGCAC[G>T]TAAAGGACTCGCCGTTGACCACACATGTGCCCCCATTATGGCAGGGGTTGGGCAGGCAGC-3'
Protein context (NP_000205.1, residues 757-777): GTCVVNGESF[Thr767Lys]CVCKEGWEGP